The following is an entry in ClinVar:

ClinVar aggregate classification (germline): Uncertain significance (1 of 4 stars; one submission).

Conditions:
Niemann-Pick disease, type C1. Also called: NIEMANN-PICK DISEASE, VARIANT TYPE C1; NEUROVISCERAL STORAGE DISEASE WITH VERTICAL SUPRANUCLEAR OPHTHALMOPLEGIA; NIEMANN-PICK DISEASE WITH CHOLESTEROL ESTERIFICATION BLOCK; NIEMANN-PICK DISEASE WITHOUT SPHINGOMYELINASE DEFICIENCY; NIEMANN-PICK DISEASE, CHRONIC NEURONOPATHIC FORM. Identifiers: Orphanet 646, MedGen C3179455, MONDO:0009757, OMIM 257220.

Allele frequency attached by ClinVar (database versions not stated): gnomAD exomes below 0.00001.
gnomAD v4.1: 1 of 1,614,172 alleles (0.000062%); highest among the groups gnomAD compares: Non-Finnish European, 0.000085%; no homozygotes.

Submission:

Labcorp Genetics (formerly Invitae), Labcorp
Classification: Uncertain significance for Niemann-Pick disease, type C1. Last evaluated: 2024-11-11. Review status: criteria provided, single submitter. Criteria: Invitae Variant Classification Sherloc (09022015). Collection method: clinical testing. Allele origin: germline.
Comment: This sequence change replaces histidine, which is basic and polar, with arginine, which is basic and polar, at codon 497 of the NPC1 protein (p.His497Arg). This variant is not present in population databases (gnomAD no frequency). This variant has not been reported in the literature in individuals affected with NPC1-related conditions. ClinVar contains an entry for this variant (Variation ID: 1509998). Invitae Evidence Modeling of protein sequence and biophysical properties (such as structural, functional, and spatial information, amino acid conservation, physicochemical variation, residue mobility, and thermodynamic stability) indicates that this missense variant is not expected to disrupt NPC1 protein function with a negative predictive value of 95%. In summary, the available evidence is currently insufficient to determine the role of this variant in disease. Therefore, it has been classified as a Variant of Uncertain Significance.

NM_000271.5(NPC1):c.1490A>G (p.His497Arg)

Gene: NPC1 (NPC intracellular cholesterol transporter 1; minus strand). Cytogenetic location: 18q11.2.
Variant type: single nucleotide variant.
Coding change: c.1490A>G on transcript NM_000271.5 (MANE Select); coding-DNA position 1490, A replaced by G.
Protein change: p.His497Arg; replaces histidine 497 with arginine.
Molecular consequence: missense variant.
Genome position (GRCh38, 1-based): chr18:23,554,821, T>C on the plus strand (A>G on the coding strand, the complement: NPC1 is on the minus strand). VCF-style: chr18-23554821-T-C. GRCh37 (hg19) VCF-style: chr18-21134785-T-C.
Other names: short protein forms H497R.
Identifiers: ClinVar variation 1509998 (VCV001509998.5), dbSNP rs2145447292, ClinGen allele CA401775562.